The following is an entry in ClinVar:

ClinVar aggregate classification (germline): Pathogenic (1 of 4 stars; one submission).

Submission:

Labcorp Genetics (formerly Invitae), Labcorp
Classification: Pathogenic. Last evaluated: 2020-08-17. Review status: criteria provided, single submitter. Criteria: Invitae Variant Classification Sherloc (09022015). Collection method: clinical testing. Allele origin: germline.
Comment: This variant is not present in population databases (ExAC no frequency). This sequence change replaces cysteine with phenylalanine at codon 323 of the NR4A2 protein (p.Cys323Phe). The cysteine residue is highly conserved and there is a large physicochemical difference between cysteine and phenylalanine. This variant has been observed in individual(s) with clinical features of NR4A2-related neurodevelopmental delay (PMID: 32366965, Invitae). In at least one individual the variant was observed to be de novo. ClinVar contains an entry for this variant (Variation ID: 946314). For these reasons, this variant has been classified as Pathogenic. Algorithms developed to predict the effect of missense changes on protein structure and function (SIFT, PolyPhen-2, Align-GVGD) all suggest that this variant is likely to be disruptive, but these predictions have not been confirmed by published functional studies and their clinical significance is uncertain.

Literature cited by the submitters: PubMed 32366965.

NM_006186.4(NR4A2):c.968G>T (p.Cys323Phe)

Gene: NR4A2 (nuclear receptor subfamily 4 group A member 2; minus strand). Cytogenetic location: 2q24.1.
Variant type: single nucleotide variant.
Coding change: c.968G>T on transcript NM_006186.4 (MANE Select); coding-DNA position 968, G replaced by T.
Protein change: p.Cys323Phe; replaces cysteine 323 with phenylalanine.
Molecular consequence: missense variant.
Genome position (GRCh38, 1-based): chr2:156,328,430, C>A on the plus strand (G>T on the coding strand, the complement: NR4A2 is on the minus strand). VCF-style: chr2-156328430-C-A. GRCh37 (hg19) VCF-style: chr2-157184942-C-A.
Other names: c.779G>T, p.Cys260Phe (NM_173173.3); short protein forms C323F, C260F.
Identifiers: ClinVar variation 946314 (VCV000946314.9), dbSNP rs1686756273, ClinGen allele CA348681251.
Genomic context (GRCh38, chr2:156,328,430, plus strand): 5'-CAAACTGGAGGGTCGGCAGCTCCCCTCAGCCTACCTTCTTTGACCATCCCAACAGCCAGG[C>A]ACTTCTGAAATCGGCAGTACTGACAGCGATTCCGGCGACGCTTGTCCACTGGGCAGTTTT-3'
Protein context (NP_006177.1, residues 313-333): NRCQYCRFQK[Cys323Phe]LAVGMVKEVV